The following is an entry in ClinVar:

NM_016008.4(DYNC2LI1):c.1042G>C (p.Glu348Gln)

Genes: ABCG5 (ATP binding cassette subfamily G member 5; minus strand), DYNC2LI1 (dynein cytoplasmic 2 light intermediate chain 1; plus strand). Cytogenetic location: 2p21.
Variant type: single nucleotide variant.
Coding change: c.1042G>C on transcript NM_016008.4 (MANE Select); coding-DNA position 1042, G replaced by C.
Protein change: p.Glu348Gln; replaces glutamic acid 348 with glutamine.
Molecular consequence: missense variant. On other transcripts: intron variant (2).
Genome position (GRCh38, 1-based): chr2:43,809,753, G>C. VCF-style: chr2-43809753-G-C. GRCh37 (hg19) VCF-style: chr2-44036892-G-C.
Other names: c.1045G>C, p.Glu349Gln (NM_001193464.2); c.997-628G>C (NM_001348913.2); c.994-628G>C (NM_001348912.2); short protein forms E349Q, E348Q.
Identifiers: ClinVar variation 777768 (VCV000777768.33), dbSNP rs41281457, ClinGen allele CA1636103.

ClinVar aggregate classification (germline): Benign/Likely benign. Review status: criteria provided, multiple submitters, no conflicts (2 of 4 stars). 4 submissions from 4 submitters: Benign (3); Likely benign (1). Last evaluated 2026-01-25.

Allele frequency attached by ClinVar (database versions not stated): 1000 Genomes Project 0.00080; 1000 Genomes Project 30x 0.00109; TOPMed 0.00140; ESP Exome Variant Server 0.00231.
gnomAD v4.1: 2,421 of 1,611,624 alleles (0.15%); highest among the groups gnomAD compares: Middle Eastern, 0.14%; 9 homozygotes.

Submissions (4):

Labcorp Genetics (formerly Invitae), Labcorp
Classification: Benign. Last evaluated: 2026-01-25. Review status: criteria provided, single submitter. Criteria: Invitae Variant Classification Sherloc (09022015). Collection method: clinical testing. Allele origin: germline.

Blueprint Genetics
Classification: Likely benign. Last evaluated: 2024-11-06. Review status: criteria provided, single submitter. Criteria: ACMG Guidelines, 2015. Collection method: clinical testing. Allele origin: germline.

CeGaT Center for Human Genetics Tuebingen
Classification: Benign. Last evaluated: 2023-11-01. Review status: criteria provided, single submitter. Criteria: CeGaT Center For Human Genetics Tuebingen Variant Classification Criteria Version 2. Collection method: clinical testing. Allele origin: germline. Affected: yes. Observed: 1 variant allele.
Comment: DYNC2LI1: BP4, BS1, BS2

Breakthrough Genomics
Classification: Benign. Review status: criteria provided, single submitter. Criteria: ACMG Guidelines, 2015. Collection method: not provided. Allele origin: germline. Inheritance: Autosomal recessive inheritance. Affected: yes.